The following is an entry in ClinVar:

ClinVar aggregate classification (germline): Benign. Review status: criteria provided, multiple submitters, no conflicts (2 of 4 stars). 3 submissions from 3 submitters: Benign (3). Last evaluated 2024-01-24.

Allele frequency attached by ClinVar (database versions not stated): gnomAD 0.10551 and 0.10324; TOPMed 0.11385; gnomAD exomes 0.09788; 1000 Genomes Project 0.12560.
gnomAD v4.1: 91,365 of 920,064 alleles (9.9%); highest among the groups gnomAD compares: Admixed American, 27%; 5,940 homozygotes.

Submissions (3):

Unidad de Genómica Garrahan, Hospital de Pediatría Garrahan
Classification: Benign. Last evaluated: 2024-01-24. Review status: criteria provided, single submitter. Criteria: ACMG Guidelines, 2015. Collection method: clinical testing. Allele origin: germline. Affected: no. Observed: 38 variant alleles.
Comment: This variant is classified as Benign based on local population frequency. This variant was detected in 40% of patients studied by a panel of primary immunodeficiencies. Number of patients: 38. Only high quality variants are reported.

GeneDx
Classification: Benign. Last evaluated: 2021-05-18. Review status: criteria provided, single submitter. Criteria: GeneDx Variant Classification Process June 2021. Collection method: clinical testing. Allele origin: germline. Affected: yes.

Breakthrough Genomics
Classification: Benign. Review status: criteria provided, single submitter. Criteria: ACMG Guidelines, 2015. Collection method: not provided. Allele origin: germline. Inheritance: Unknown mechanism. Affected: yes.

NM_001323329.2(MAPK8):c.253-80T>A

Gene: MAPK8 (mitogen-activated protein kinase 8; plus strand). Cytogenetic location: 10q11.22.
Variant type: single nucleotide variant.
Coding change: c.253-80T>A on transcript NM_001323329.2 (MANE Select); 80 bases into the intron before coding-DNA position 253, T replaced by A.
Molecular consequence: intron variant.
Genome position (GRCh38, 1-based): chr10:48,409,799, T>A. VCF-style: chr10-48409799-T-A. GRCh37 (hg19) VCF-style: chr10-49617842-T-A.
Other names: c.253-80T>A (NM_001323302.2, NM_139049.4, NM_139046.4 and 13 more transcripts).
Identifiers: ClinVar variation 1260927 (VCV001260927.5), dbSNP rs3730157, ClinGen allele CA13341245.